The following is an entry in ClinVar:

ClinVar aggregate classification (germline): Uncertain significance. Review status: criteria provided, multiple submitters, no conflicts (2 of 4 stars). 6 submissions from 6 submitters: Uncertain significance (4). 2 of the submissions do not count toward it. Last evaluated 2021-11-07.

Conditions:
Inborn genetic diseases. Identifiers: MedGen C0950123, MeSH D030342.
Maple syrup urine disease type 1A (MSUD1A). Also called: MSUD type 1A. Identifiers: MedGen C1855369, MONDO:0023691, OMIM 248600.
Maple syrup urine disease type 1B (MSUD1B). Also called: MSUD type IB; MSUD type 3 (formerly); MSUD due to deficiency of e1-beta subunit of branched-chain alpha-keto acid dehydrogenase complex. Identifiers: MedGen C2930990, MONDO:0023692, OMIM 620698.
Maple syrup urine disease (MSUD). Identifiers: Orphanet 511, MedGen C0024776, MeSH D008375, MONDO:0009563. Disease mechanism: loss of function.

Allele frequency attached by ClinVar (database versions not stated): gnomAD 0.00004 and 0.00003; ExAC 0.00002; gnomAD exomes 0.00001 and below 0.00001; TOPMed 0.00002.

Submissions (6):

Genome-Nilou Lab
Classification: Uncertain significance for Maple syrup urine disease type 1A. Last evaluated: 2021-11-07. Review status: criteria provided, single submitter. Criteria: ACMG Guidelines, 2015. Collection method: clinical testing. Allele origin: germline. Affected: no.

Ambry Genetics
Classification: Uncertain significance for Inborn genetic diseases. Last evaluated: 2021-08-17. Review status: criteria provided, single submitter. Criteria: Ambry Variant Classification Scheme 2023. Collection method: clinical testing. Allele origin: germline.

Women's Health and Genetics/Laboratory Corporation of America, LabCorp
Classification: Uncertain significance. Last evaluated: 2019-03-15. Review status: criteria provided, single submitter. Criteria: LabCorp Variant Classification Summary - May 2015. Collection method: clinical testing. Allele origin: germline.
Comment: Variant summary: BCKDHB c.727C>T (p.Leu243Phe) results in a non-conservative amino acid change located in the Transketolase-like, pyrimidine-binding domain of the encoded protein sequence. Five of five in-silico tools predict a damaging effect of the variant on protein function. The variant allele was found at a frequency of 1.8e-05 in 273776 control chromosomes (gnomAD). The available data on variant occurrences in the general population are insufficient to allow any conclusion about variant significance. To our knowledge, no occurrence of c.727C>T in individuals affected with Maple Syrup Urine Disease Type 1B and no experimental evidence demonstrating its impact on protein function have been reported. A ClinVar submission from a clinical diagnostic laboratory (evaluation after 2014) cites the variant as uncertain significance. Based on the evidence outlined above, the variant was classified as uncertain significance.

Eurofins Ntd Llc (ga)
Classification: Uncertain significance. Last evaluated: 2013-09-06. Review status: criteria provided, single submitter. Criteria: EGL Classification Definitions 2015. Collection method: clinical testing. Allele origin: germline. Observed: 1 variant allele, 1 heterozygote.

Natera, Inc.
Classification: Uncertain significance for Maple syrup urine disease type 1B. Last evaluated: 2020-04-01. Review status: no assertion criteria provided. Collection method: clinical testing. Allele origin: germline. Not counted in ClinVar's aggregate classification.

Counsyl
Classification: Uncertain significance for Maple syrup urine disease type 1A. Last evaluated: 2017-11-09. Review status: no assertion criteria provided. Collection method: clinical testing. Allele origin: unknown. Not counted in ClinVar's aggregate classification.

NM_183050.4(BCKDHB):c.727C>T (p.Leu243Phe)

Gene: BCKDHB (branched chain keto acid dehydrogenase E1 subunit beta; plus strand). Cytogenetic location: 6q14.1.
Variant type: single nucleotide variant.
Coding change: c.727C>T on transcript NM_183050.4 (MANE Select); coding-DNA position 727, C replaced by T.
Protein change: p.Leu243Phe; replaces leucine 243 with phenylalanine.
Molecular consequence: missense variant. On other transcripts: non-coding transcript variant (1).
Genome position (GRCh38, 1-based): chr6:80,171,375, C>T. VCF-style: chr6-80171375-C-T. GRCh37 (hg19) VCF-style: chr6-80881092-C-T.
Other names: c.727C>T, p.Leu243Phe (NM_000056.5); c.517C>T, p.Leu173Phe (NM_001318975.1); short protein forms L243F, L173F.
Identifiers: ClinVar variation 96605 (VCV000096605.13), dbSNP rs398124591, ClinGen allele CA224334.